The following is an entry in ClinVar:

ClinVar aggregate classification (germline): Uncertain significance (1 of 4 stars; one submission).

Conditions:
Pitt-Hopkins syndrome (PTHS). Also called: ENCEPHALOPATHY, SEVERE EPILEPTIC, WITH AUTONOMIC DYSFUNCTION; MENTAL RETARDATION, SYNDROMAL, WITH INTERMITTENT HYPERVENTILATION. Identifiers: Orphanet 2896, MedGen C1970431, MONDO:0012589, OMIM 610954.

Submission:

Labcorp Genetics (formerly Invitae), Labcorp
Classification: Uncertain significance for Pitt-Hopkins syndrome. Last evaluated: 2024-02-17. Review status: criteria provided, single submitter. Criteria: Invitae Variant Classification Sherloc (09022015). Collection method: clinical testing. Allele origin: germline.
Comment: This sequence change replaces glutamic acid, which is acidic and polar, with glutamine, which is neutral and polar, at codon 627 of the TCF4 protein (p.Glu627Gln). This variant also falls at the last nucleotide of exon 18, which is part of the consensus splice site for this exon. This variant is not present in population databases (gnomAD no frequency). This variant has not been reported in the literature in individuals affected with TCF4-related conditions. ClinVar contains an entry for this variant (Variation ID: 1386251). An algorithm developed to predict the effect of missense changes on protein structure and function (PolyPhen-2) suggests that this variant is likely to be disruptive. Variants that disrupt the consensus splice site are a relatively common cause of aberrant splicing (PMID: 17576681, 9536098). Algorithms developed to predict the effect of sequence changes on RNA splicing suggest that this variant may disrupt the consensus splice site. In summary, the available evidence is currently insufficient to determine the role of this variant in disease. Therefore, it has been classified as a Variant of Uncertain Significance.

Literature cited by the submitters: PubMed 17576681; PubMed 9536098.

NM_001083962.2(TCF4):c.1879G>C (p.Glu627Gln)

Gene: TCF4 (transcription factor 4; minus strand). Cytogenetic location: 18q21.2.
Variant type: single nucleotide variant.
Coding change: c.1879G>C on transcript NM_001083962.2 (MANE Select); coding-DNA position 1879, G replaced by C.
Protein change: p.Glu627Gln; replaces glutamic acid 627 with glutamine.
Molecular consequence: missense variant.
Genome position (GRCh38, 1-based): chr18:55,228,847, C>G on the plus strand (G>C on the coding strand, the complement: TCF4 is on the minus strand). VCF-style: chr18-55228847-C-G. GRCh37 (hg19) VCF-style: chr18-52896078-C-G.
Other names: c.2185G>C, p.Glu729Gln (NM_001243226.3); c.1807G>C, p.Glu603Gln (NM_001243227.2, NM_001348217.1, NM_001348218.2 and 1 more transcripts); c.1897G>C, p.Glu633Gln (NM_001243228.2); c.1858G>C, p.Glu620Gln (NM_001243230.2); c.1741G>C, p.Glu581Gln (NM_001243231.2); c.1399G>C, p.Glu467Gln (NM_001348216.2, NM_001243234.2); c.1795G>C, p.Glu599Gln (NM_001348219.2, NM_001306207.1, NM_001369582.1 and 1 more transcripts); c.1792G>C, p.Glu598Gln (NM_001348220.1, NM_001369584.1, NM_001369585.1); and 14 more; short protein forms E467Q, E497Q, E552Q, E604Q, E623Q, E627Q, E463Q, E493Q.
Identifiers: ClinVar variation 1386251 (VCV001386251.6), dbSNP rs1555709822, ClinGen allele CA402528063.